The following is an entry in ClinVar:

NM_178170.3(NEK8):c.1795C>T (p.Arg599Ter)

Gene: NEK8 (NIMA related kinase 8; plus strand). Cytogenetic location: 17q11.2.
Variant type: single nucleotide variant.
Coding change: c.1795C>T on transcript NM_178170.3 (MANE Select); coding-DNA position 1795, C replaced by T.
Protein change: p.Arg599Ter; replaces arginine 599 with a stop codon.
Molecular consequence: nonsense.
Genome position (GRCh38, 1-based): chr17:28,741,140, C>T. VCF-style: chr17-28741140-C-T. GRCh37 (hg19) VCF-style: chr17-27068158-C-T.
Other names: c.1795C>T (NM_178170.2); short protein forms R599*.
Identifiers: ClinVar variation 65408 (VCV000065408.20), dbSNP rs375661404, ClinGen allele CA144773.
Genomic context (GRCh38, chr17:28,741,140, plus strand): 5'-TCGGGTGATTGCTACACTTTTGGCAGCAATCAGCACGGACAGTTGGGCACCAATACTCGC[C>T]GAGGCAGTCGGGCACCCTGTAAGGTCCAAGGCCTTGAGGGCATCAAGATGGCAATGGTAG-3'

ClinVar aggregate classification (germline): Pathogenic/Likely pathogenic. Review status: criteria provided, multiple submitters, no conflicts (2 of 4 stars). 14 submissions from 14 submitters: Pathogenic (7); Likely pathogenic (2). 5 of the submissions do not count toward it. Last evaluated 2026-01-12.

Conditions:
Renal-hepatic-pancreatic dysplasia 2 (RHPD2). Identifiers: MedGen C3809434, MONDO:0014174, OMIM 615415.
Nephronophthisis 9 (NPHP9). Identifiers: Orphanet 655, MedGen C3151188, MONDO:0013444, OMIM 613824.
NEK8-related disorder. Also called: NEK8-related condition.
Premature menopause. Identifiers: MedGen C0025322, MONDO:0001119.

Allele frequency attached by ClinVar (database versions not stated): gnomAD 0.00007; ESP Exome Variant Server 0.00008; gnomAD exomes 0.00013 and 0.00007; ExAC 0.00004; TOPMed 0.00007.

Submissions (14):

PreventionGenetics, part of Exact Sciences
Classification: Pathogenic for NEK8-related condition. Last evaluated: 2026-01-12. Review status: criteria provided, single submitter. Criteria: ACMG Guidelines, 2015. Collection method: clinical testing. Allele origin: germline.
Comment: The NEK8 c.1795C>T variant is predicted to result in premature protein termination (p.Arg599*). This variant has been reported in the homozygous state in three fetuses from one family with renal-hepatic-pancreatic dysplasia (Frank et al. 2013. PubMed ID: 23418306). This variant is reported in 0.020% of alleles in individuals of East Asian descent in gnomAD. Nonsense variants in NEK8 are expected to be pathogenic. This variant is interpreted as pathogenic for autosomal recessive renal-hepatic-pancreatic dysplasia.

Dasa
Classification: Pathogenic. Last evaluated: 2025-11-27. Review status: criteria provided, single submitter. Criteria: DASA Assertion Criteria. Collection method: clinical testing. Allele origin: germline.
Comment: NM_178170.3(NEK8):c.1795C>T (p.Arg599*) introduces a premature termination codon predicted to result in loss of normal protein function. Loss-of-function is an established mechanism of disease for this gene. Functional evidence supports a deleterious effect on the gene or gene product (PMID: 23418306). This variant has been reported in individuals with related phenotype (PMID: 23418306). Segregation evidence has been reported in affected families. The variant is present at low frequency in population datasets. Based on the available data, this variant is classified as pathogenic.

Blueprint Genetics
Classification: Pathogenic for NEK8-related disorders. Last evaluated: 2024-09-06. Review status: criteria provided, single submitter. Criteria: ACMG Guidelines, 2015. Collection method: clinical testing. Allele origin: germline. Affected: yes. Observed: 4 variant alleles.

Labcorp Genetics (formerly Invitae), Labcorp
Classification: Pathogenic for Nephronophthisis 9. Last evaluated: 2024-05-13. Review status: criteria provided, single submitter. Criteria: Invitae Variant Classification Sherloc (09022015). Collection method: clinical testing. Allele origin: germline.
Comment: This sequence change creates a premature translational stop signal (p.Arg599*) in the NEK8 gene. It is expected to result in an absent or disrupted protein product. Loss-of-function variants in NEK8 are known to be pathogenic (PMID: 23418306, 26967905). This variant is present in population databases (rs375661404, gnomAD 0.02%). This premature translational stop signal has been observed in individual(s) with autosomal recessive NEK8-related conditions (PMID: 23418306). ClinVar contains an entry for this variant (Variation ID: 65408). For these reasons, this variant has been classified as Pathogenic.

Women's Health and Genetics/Laboratory Corporation of America, LabCorp
Classification: Pathogenic for Renal-hepatic-pancreatic dysplasia 2. Last evaluated: 2024-05-02. Review status: criteria provided, single submitter. Criteria: LabCorp Variant Classification Summary - May 2015. Collection method: clinical testing. Allele origin: germline.
Comment: Variant summary: NEK8 c.1795C>T (p.Arg599X) results in a premature termination codon, predicted to cause a truncation of the encoded protein or absence of the protein due to nonsense mediated decay, which are commonly known mechanisms for disease. The variant allele was found at a frequency of 6.8e-05 in 251416 control chromosomes. This frequency is not significantly higher than estimated for a pathogenic variant in NEK8 causing Renal-Hepatic Dysplasia 2. c.1795C>T has been reported in the literature in multiple homozygous individuals affected with Renal-Hepatic Dysplasia 2 (e.g., Frank_2013). These data indicate that the variant is very likely to be associated with disease. One publication reports experimental evidence evaluating an impact on protein function; studies on patient fibroblasts demonstrated a loss of NEK8 expression. The following publication has been ascertained in the context of this evaluation (PMID: 23418306). ClinVar contains an entry for this variant (Variation ID: 65408). Based on the evidence outlined above, the variant was classified as pathogenic.

Genomic Medicine Center of Excellence, King Faisal Specialist Hospital and Research Centre
Classification: Likely pathogenic for Renal-hepatic-pancreatic dysplasia 2. Last evaluated: 2024-03-29. Review status: criteria provided, single submitter. Criteria: ACMG Guidelines, 2015. Collection method: clinical testing. Allele origin: germline.

Equipe Genetique des Anomalies du Developpement, Université de Bourgogne
Classification: Likely pathogenic for Renal-hepatic-pancreatic dysplasia 2. Last evaluated: 2023-03-23. Review status: criteria provided, single submitter. Criteria: ACMG Guidelines, 2015. Collection method: clinical testing. Allele origin: maternal. Inheritance: Autosomal recessive inheritance. Affected: yes.
Comment: This variant was observed in heterozygosity with variant c.618G>A

GeneDx
Classification: Pathogenic. Last evaluated: 2022-09-19. Review status: criteria provided, single submitter. Criteria: GeneDx Variant Classification Process June 2021. Collection method: clinical testing. Allele origin: germline. Affected: yes.
Comment: Loss of NEK8 expression was reported in fibroblasts from affected fetuses with this homozygous variant (Frank et al., 2013); Nonsense variant predicted to result in protein truncation or nonsense mediated decay in a gene for which loss-of-function is a known mechanism of disease; This variant is associated with the following publications: (PMID: 26697755, 30924587, 31980526, 31589614, 23418306, 26862157)

Fulgent Genetics
Classification: Pathogenic for Nephronophthisis 9; Renal-hepatic-pancreatic dysplasia 2. Last evaluated: 2022-04-06. Review status: criteria provided, single submitter. Criteria: ACMG Guidelines, 2015. Collection method: clinical testing. Allele origin: unknown.

Reproductive Development, Murdoch Childrens Research Institute
Classification: Uncertain significance for Premature ovarian insufficiency. Last evaluated: 2018-01-10. Review status: no assertion criteria provided. Criteria: ACMG Guidelines, 2015. Collection method: research. Allele origin: maternal. Affected: yes. Not counted in ClinVar's aggregate classification.

OMIM
Classification: Pathogenic for RENAL-HEPATIC-PANCREATIC DYSPLASIA 2. Last evaluated: 2013-06-01. Review status: no assertion criteria provided. Collection method: literature only. Allele origin: germline. Not counted in ClinVar's aggregate classification.

Clinical Genetics DNA and cytogenetics Diagnostics Lab, Erasmus MC, Erasmus Medical Center
Classification: Pathogenic. Review status: no assertion criteria provided. Collection method: clinical testing. Allele origin: germline. Affected: yes. Study: VKGL Data-share Consensus. Not counted in ClinVar's aggregate classification.

Genome Diagnostics Laboratory, University Medical Center Utrecht
Classification: Pathogenic. Review status: no assertion criteria provided. Collection method: clinical testing. Allele origin: germline. Affected: yes. Study: VKGL Data-share Consensus. Not counted in ClinVar's aggregate classification.

Joint Genome Diagnostic Labs from Nijmegen and Maastricht, Radboudumc and MUMC+
Classification: Pathogenic. Review status: no assertion criteria provided. Collection method: clinical testing. Allele origin: germline. Affected: yes. Study: VKGL Data-share Consensus. Not counted in ClinVar's aggregate classification.

Literature cited by the submitters: PubMed 23418306 (cited by 4 submitters); PubMed 26967905 (cited by Labcorp Genetics (formerly Invitae), Labcorp).